The following is an entry in ClinVar:

ClinVar aggregate classification (germline): Likely benign (0 of 4 stars; one submission).

Conditions:
DSCAM-related disorder. Also called: DSCAM-related condition.

gnomAD v4.1: 109 of 1,614,090 alleles (0.0068%); highest among the groups gnomAD compares: South Asian, 0.11%; no homozygotes.

Submission:

PreventionGenetics, part of Exact Sciences
Classification: Likely benign for DSCAM-related condition. Last evaluated: 2024-03-22. Review status: no assertion criteria provided. Collection method: clinical testing. Allele origin: germline.
Comment: This variant is classified as likely benign based on ACMG/AMP sequence variant interpretation guidelines (Richards et al. 2015 PMID: 25741868, with internal and published modifications).

NM_001389.5(DSCAM):c.1875C>T (p.Pro625=)

Gene: DSCAM (DS cell adhesion molecule; minus strand). Cytogenetic location: 21q22.2.
Variant type: single nucleotide variant.
Coding change: c.1875C>T on transcript NM_001389.5 (MANE Select); coding-DNA position 1875, C replaced by T.
Protein change: p.Pro625=; no amino-acid change (proline 625 retained).
Molecular consequence: synonymous variant. On other transcripts: non-coding transcript variant (1).
Genome position (GRCh38, 1-based): chr21:40,312,268, G>A on the plus strand (C>T on the coding strand, the complement: DSCAM is on the minus strand). VCF-style: chr21-40312268-G-A. GRCh37 (hg19) VCF-style: chr21-41684195-G-A.
Other names: c.1875C>T, p.Pro625= (NM_001271534.3).
Identifiers: ClinVar variation 3353027 (VCV003353027.1).
Genomic context (GRCh38, chr21:40,312,268, plus strand): 5'-AATGGTCACCCCAAGGCTCCCAGGGATTGGCCGGCCATCCTTCTGCCAGGTGATCGTGAT[G>A]GGTAAGTCCCCTGAGACCACAACACAGGGGATGAAGACCCGCTGCCCAATGGAGAATCTT-3'
Protein context (NP_001380.2, residues 615-635): IPCVVVSGDL[Pro625=]ITITWQKDGR